The following is an entry in ClinVar:

ClinVar aggregate classification (germline): Uncertain significance (1 of 4 stars; one submission).

Conditions:
Cardiovascular phenotype. Identifiers: MedGen CN230736.

Submission:

Ambry Genetics
Classification: Uncertain significance for Cardiovascular phenotype. Last evaluated: 2026-03-12. Review status: criteria provided, single submitter. Criteria: Ambry Variant Classification Scheme 2023. Collection method: clinical testing. Allele origin: germline.
Comment: The p.I236F variant (also known as c.706A>T), located in coding exon 3 of the DES gene, results from an A to T substitution at nucleotide position 706. The isoleucine at codon 236 is replaced by phenylalanine, an amino acid with highly similar properties. This amino acid position is conserved. In addition, this alteration is predicted to be deleterious by in silico analysis. Based on the available evidence, the clinical significance of this variant remains unclear.

NM_001927.4(DES):c.706A>T (p.Ile236Phe)

Gene: DES (desmin; plus strand). Cytogenetic location: 2q35.
Variant type: single nucleotide variant.
Coding change: c.706A>T on transcript NM_001927.4 (MANE Select); coding-DNA position 706, A replaced by T.
Protein change: p.Ile236Phe; replaces isoleucine 236 with phenylalanine.
Molecular consequence: missense variant. On other transcripts: intron variant (1).
Genome position (GRCh38, 1-based): chr2:219,420,317, A>T. VCF-style: chr2-219420317-A-T. GRCh37 (hg19) VCF-style: chr2-220285039-A-T.
Other names: c.703A>T, p.Ile235Phe (NM_001382708.1); c.706A>T, p.Ile236Phe (NM_001382709.1, NM_001382710.1, NM_001382711.1 and 1 more transcripts); c.496-208A>T (NM_001382713.1); short protein forms I236F, I235F.
Identifiers: ClinVar variation 4826636 (VCV004826636.1).